The following is an entry in ClinVar:

NM_000132.4(F8):c.5690T>G (p.Leu1897Arg)

Gene: F8 (coagulation factor VIII; minus strand). Cytogenetic location: Xq28.
Variant type: single nucleotide variant.
Coding change: c.5690T>G on transcript NM_000132.4 (MANE Select); coding-DNA position 5690, T replaced by G.
Protein change: p.Leu1897Arg; replaces leucine 1897 with arginine.
Molecular consequence: missense variant.
Genome position (GRCh38, 1-based): chrX:154,904,421, A>C on the plus strand (T>G on the coding strand, the complement: F8 is on the minus strand). VCF-style: chrX-154904421-A-C. GRCh37 (hg19) VCF-style: chrX-154132696-A-C.
Other names: short protein forms L1897R.
Identifiers: ClinVar variation 5020575 (VCV005020575.1).

ClinVar aggregate classification (germline): Uncertain significance (1 of 4 stars; one submission).

Submission:

Dasa
Classification: Uncertain significance. Last evaluated: 2026-05-13. Review status: criteria provided, single submitter. Criteria: DASA Assertion Criteria. Collection method: clinical testing. Allele origin: germline.
Comment: NM_000132.4(F8):c.5690T>G (p.Leu1897Arg) is a missense variant that results in the substitution of leucine with arginine. This variant is rare in population databases. Computational prediction algorithms are consistent with a deleterious effect. The currently available literature and clinical evidence are not sufficient to establish a definitive association between this variant and the reported condition. Therefore, this variant is classified as a variant of uncertain significance.